The following is an entry in ClinVar:

NM_006940.6(SOX5):c.482A>T (p.Glu161Val)

Gene: SOX5 (SRY-box transcription factor 5; minus strand). Cytogenetic location: 12p12.1.
Variant type: single nucleotide variant.
Coding change: c.482A>T on transcript NM_006940.6 (MANE Select); coding-DNA position 482, A replaced by T.
Protein change: p.Glu161Val; replaces glutamic acid 161 with valine.
Molecular consequence: missense variant.
Genome position (GRCh38, 1-based): chr12:23,755,724, T>A on the plus strand (A>T on the coding strand, the complement: SOX5 is on the minus strand). VCF-style: chr12-23755724-T-A. GRCh37 (hg19) VCF-style: chr12-23908658-T-A.
Other names: c.443A>T, p.Glu148Val (NM_001261414.3, NM_152989.5); c.452A>T, p.Glu151Val (NM_001261415.3); c.377A>T, p.Glu126Val (NM_001330785.2); short protein forms E126V, E148V, E151V, E161V.
Identifiers: ClinVar variation 3602156 (VCV003602156.1).

ClinVar aggregate classification (germline): Uncertain significance (1 of 4 stars; one submission).

Submission:

GeneDx
Classification: Uncertain significance. Last evaluated: 2024-08-02. Review status: criteria provided, single submitter. Criteria: GeneDx Variant Classification Process June 2021. Collection method: clinical testing. Allele origin: germline. Affected: yes.
Comment: Not observed at significant frequency in large population cohorts (gnomAD); In silico analysis supports that this missense variant has a deleterious effect on protein structure/function; Has not been previously published as pathogenic or benign to our knowledge